The following is an entry in ClinVar:

ClinVar aggregate classification (germline): Uncertain significance (1 of 4 stars; one submission).

Submission:

GeneDx
Classification: Uncertain significance. Last evaluated: 2026-03-16. Review status: criteria provided, single submitter. Criteria: GeneDx Variant Classification Process June 2021. Collection method: clinical testing. Allele origin: germline.
Comment: Not observed at significant frequency in large population cohorts (gnomAD); In silico analysis supports that this missense variant has a deleterious effect on protein structure/function; In silico analysis supports a deleterious effect on splicing; Has not been previously published as pathogenic or benign to our knowledge

NM_020297.4(ABCC9):c.3670G>T (p.Asp1224Tyr)

Genes: ABCC9 (ATP binding cassette subfamily C member 9; minus strand), KCNJ8-AS1 (KCNJ8 antisense RNA 1; plus strand). Cytogenetic location: 12p12.1.
Variant type: single nucleotide variant.
Coding change: c.3670G>T on transcript NM_020297.4 (MANE Select); coding-DNA position 3670, G replaced by T.
Protein change: p.Asp1224Tyr; replaces aspartic acid 1224 with tyrosine.
Molecular consequence: missense variant.
Genome position (GRCh38, 1-based): chr12:21,818,251, C>A on the plus strand (G>T on the coding strand, the complement: ABCC9 is on the minus strand). VCF-style: chr12-21818251-C-A. GRCh37 (hg19) VCF-style: chr12-21971185-C-A.
Other names: c.3670G>T, p.Asp1224Tyr (NM_001377273.1, NM_005691.4); c.2803G>T, p.Asp935Tyr (NM_001377274.1); short protein forms D1224Y, D935Y.
Identifiers: ClinVar variation 4795364 (VCV004795364.2).